The following is an entry in ClinVar:

ClinVar aggregate classification (germline): Benign/Likely benign. Review status: criteria provided, multiple submitters, no conflicts (2 of 4 stars). 3 submissions from 3 submitters: Benign (1); Likely benign (2). Last evaluated 2023-12-05.

Conditions:
Occult macular dystrophy (OCMD). Also called: OCCULT MACULAR DYSTROPHY, SUSCEPTIBILITY TO; OMD. Identifiers: Orphanet 247834, MedGen C3150833, MONDO:0013316, OMIM 613587, HP:0030636.
Retinal dystrophy. Also called: Inherited retinal dystrophy. Identifiers: Orphanet 71862, MedGen C0854723, MeSH D058499, MONDO:0019118, HP:0000556.

Allele frequency attached by ClinVar (database versions not stated): TOPMed 0.00006.

Submissions (3):

Blueprint Genetics
Classification: Likely benign. Last evaluated: 2023-12-05. Review status: criteria provided, single submitter. Criteria: ACMG Guidelines, 2015. Collection method: clinical testing. Allele origin: germline.

Dept Of Ophthalmology, Nagoya University
Classification: Likely benign for Retinal dystrophy. Last evaluated: 2023-10-01. Review status: criteria provided, single submitter. Criteria: Submitter's publication. Collection method: research. Allele origin: germline. Affected: yes.

Illumina Laboratory Services, Illumina
Classification: Benign for Occult macular dystrophy. Last evaluated: 2018-01-13. Review status: criteria provided, single submitter. Criteria: ICSL Variant Classification Criteria 13 December 2019. Collection method: clinical testing. Allele origin: germline.
Comment: This variant was observed in the ICSL laboratory as part of a predisposition screen in an ostensibly healthy population. It had not been previously curated by ICSL or reported in the Human Gene Mutation Database (HGMD: prior to June 1st, 2018), and was therefore a candidate for classification through an automated scoring system. Utilizing variant allele frequency, disease prevalence and penetrance estimates, and inheritance mode, an automated score was calculated to assess if this variant is too frequent to cause the disease. Based on the score and internal cut-off values, a variant classified as benign is not then subjected to further curation. The score for this variant resulted in a classification of benign for this disease.

NM_178857.6(RP1L1):c.4440G>T (p.Pro1480=)

Gene: RP1L1 (RP1 like 1). Cytogenetic location: 8p23.1.
Variant type: single nucleotide variant.
Coding change: c.4440G>T on transcript NM_178857.6 (MANE Select); coding-DNA position 4440, G replaced by T.
Protein change: p.Pro1480=; no amino-acid change (proline 1480 retained).
Molecular consequence: synonymous variant.
Genome position (GRCh38, 1-based): chr8:10,609,658, C>A on the plus strand (G>T on the coding strand, the complement: RP1L1 is on the minus strand). VCF-style: chr8-10609658-C-A. GRCh37 (hg19) VCF-style: chr8-10467168-C-A.
Identifiers: ClinVar variation 908348 (VCV000908348.6), dbSNP rs76720252, ClinGen allele CA4624026.
Genomic context (GRCh38, chr8:10,609,658, plus strand): 5'-TGCAGCCCCCTGGGTGGGTTGGGCCTGCGTGTGCTCTTGGCCCATCATGGTGGCTCCGGG[C>A]GGCTTTTCCAAACCAGGCTCAAGCTGGGAGCCACTCTGCCTCTCGCTGGCACTTGGGTCC-3'
Protein context (NP_849188.4, residues 1470-1490): GSQLEPGLEK[Pro1480=]PGATMMGQEH